The following is an entry in ClinVar:

ClinVar aggregate classification (germline): Uncertain significance (1 of 4 stars; one submission).

gnomAD v4.1: 2 of 1,614,114 alleles (0.00012%); highest among the groups gnomAD compares: South Asian, 0.0011%; no homozygotes.

Submission:

Ambry Genetics
Classification: Uncertain significance. Last evaluated: 2025-03-28. Review status: criteria provided, single submitter. Criteria: Ambry Variant Classification Scheme 2023. Collection method: clinical testing. Allele origin: germline.
Comment: The p.L879F variant (also known as c.2635C>T), located in coding exon 1 of the TET2 gene, results from a C to T substitution at nucleotide position 2635. The leucine at codon 879 is replaced by phenylalanine, an amino acid with highly similar properties. This amino acid position is conserved. In addition, this alteration is predicted to be tolerated by in silico analysis. Based on the available evidence, the clinical significance of this variant remains unclear.

NM_001127208.3(TET2):c.2635C>T (p.Leu879Phe)

Genes: TET2 (tet methylcytosine dioxygenase 2; plus strand), TET2-AS1 (TET2 antisense RNA 1; minus strand). Cytogenetic location: 4q24.
Variant type: single nucleotide variant.
Coding change: c.2635C>T on transcript NM_001127208.3 (MANE Select); coding-DNA position 2635, C replaced by T.
Protein change: p.Leu879Phe; replaces leucine 879 with phenylalanine.
Molecular consequence: missense variant.
Genome position (GRCh38, 1-based): chr4:105,236,577, C>T. VCF-style: chr4-105236577-C-T. GRCh37 (hg19) VCF-style: chr4-106157734-C-T.
Other names: c.2635C>T, p.Leu879Phe (NM_017628.4); short protein forms L879F.
Identifiers: ClinVar variation 3967495 (VCV003967495.1).